The following is an entry in ClinVar:

NM_152564.5(VPS13B):c.7136G>T (p.Cys2379Phe)

Gene: VPS13B (vacuolar protein sorting 13 homolog B; plus strand). Cytogenetic location: 8q22.2.
Variant type: single nucleotide variant.
Coding change: c.7136G>T on transcript NM_152564.5 (MANE Select); coding-DNA position 7136, G replaced by T.
Protein change: p.Cys2379Phe; replaces cysteine 2379 with phenylalanine.
Molecular consequence: missense variant.
Genome position (GRCh38, 1-based): chr8:99,766,859, G>T. VCF-style: chr8-99766859-G-T. GRCh37 (hg19) VCF-style: chr8-100779087-G-T.
Other names: c.7211G>T, p.Cys2404Phe (NM_017890.5); c.7136G>T (NM_152564.4); short protein forms C2379F, C2404F.
Identifiers: ClinVar variation 1442234 (VCV001442234.9), dbSNP rs1373068816, ClinGen allele CA371874225.

ClinVar aggregate classification (germline): Uncertain significance. Review status: criteria provided, multiple submitters, no conflicts (2 of 4 stars). 3 submissions from 3 submitters: Uncertain significance (2). 1 of the submissions does not count toward it. Last evaluated 2023-11-27.

Conditions:
Cohen syndrome (COH1). Also called: Cutis verticis gyrata, retinitis pigmentosa, and sensorineural deafness; PEPPER SYNDROME. Identifiers: Orphanet 193, MedGen C0265223, MONDO:0008999, OMIM 216550.
VPS13B-related disorder. Also called: VPS13B-related condition.

gnomAD v4.1: 6 of 1,614,004 alleles (0.00037%); highest among the groups gnomAD compares: Non-Finnish European, 0.00051%; no homozygotes.

Submissions (3):

Labcorp Genetics (formerly Invitae), Labcorp
Classification: Uncertain significance for Cohen syndrome. Last evaluated: 2023-11-27. Review status: criteria provided, single submitter. Criteria: Invitae Variant Classification Sherloc (09022015). Collection method: clinical testing. Allele origin: germline.
Comment: This sequence change replaces cysteine with phenylalanine at codon 2404 of the VPS13B protein (p.Cys2404Phe). The cysteine residue is moderately conserved and there is a large physicochemical difference between cysteine and phenylalanine. This variant is not present in population databases (gnomAD no frequency). This variant has not been reported in the literature in individuals affected with VPS13B-related conditions. ClinVar contains an entry for this variant (Variation ID: 1442234). Advanced modeling of protein sequence and biophysical properties (such as structural, functional, and spatial information, amino acid conservation, physicochemical variation, residue mobility, and thermodynamic stability) performed at Invitae indicates that this missense variant is expected to disrupt VPS13B protein function with a positive predictive value of 80%. In summary, the available evidence is currently insufficient to determine the role of this variant in disease. Therefore, it has been classified as a Variant of Uncertain Significance.

Fulgent Genetics
Classification: Uncertain significance for Cohen syndrome. Last evaluated: 2021-08-05. Review status: criteria provided, single submitter. Criteria: ACMG Guidelines, 2015. Collection method: clinical testing. Allele origin: unknown.

PreventionGenetics, part of Exact Sciences
Classification: Uncertain significance for VPS13B-related condition. Last evaluated: 2024-01-22. Review status: no assertion criteria provided. Collection method: clinical testing. Allele origin: germline. Not counted in ClinVar's aggregate classification.
Comment: The VPS13B c.7136G>T variant is predicted to result in the amino acid substitution p.Cys2379Phe. To our knowledge, this variant has not been reported in the literature or in gnomAD, indicating this variant is rare. At this time, the clinical significance of this variant is uncertain due to the absence of conclusive functional and genetic evidence.